The following is an entry in ClinVar:

ClinVar aggregate classification (germline): Uncertain significance (1 of 4 stars; one submission).

Conditions:
Idiopathic generalized epilepsy. Also called: Generalised epilepsy; EIG. Identifiers: MedGen C0270850, MONDO:0005579, OMIM 600669.

Submission:

Labcorp Genetics (formerly Invitae), Labcorp
Classification: Uncertain significance for Idiopathic generalized epilepsy. Last evaluated: 2021-03-23. Review status: criteria provided, single submitter. Criteria: Invitae Variant Classification Sherloc (09022015). Collection method: clinical testing. Allele origin: germline.
Comment: In summary, the available evidence is currently insufficient to determine the role of this variant in disease. Therefore, it has been classified as a Variant of Uncertain Significance. Algorithms developed to predict the effect of sequence changes on RNA splicing suggest that this variant may disrupt the consensus splice site, but this prediction has not been confirmed by published transcriptional studies. This variant has not been reported in the literature in individuals with RBFOX3-related conditions. This variant is not present in population databases (ExAC no frequency). This sequence change affects a donor splice site in intron 12 of the RBFOX3 gene. It is expected to disrupt RNA splicing. Variants that disrupt the donor or acceptor splice site typically lead to a loss of protein function (PMID: 16199547), however the current clinical and genetic evidence is not sufficient to establish whether loss-of-function variants in RBFOX3 cause disease.

Literature cited by the submitters: PubMed 16199547.

NM_001350451.2(RBFOX3):c.936+2del

Gene: RBFOX3 (RNA binding fox-1 homolog 3; minus strand). Cytogenetic location: 17q25.3.
Variant type: Deletion.
Coding change: c.936+2del on transcript NM_001350451.2 (MANE Select); the canonical splice donor site of the intron after coding-DNA position 936, one base deleted (T; older notation c.936+2delT).
Molecular consequence: splice donor variant.
Genome position (GRCh38, 1-based): chr17:79,096,651, A deleted on the plus strand (T on the coding strand, the reverse complement: RBFOX3 is on the minus strand). VCF-style (leftmost placement, unchanged base first): chr17-79096650-TA-T. GRCh37 (hg19) VCF-style: chr17-77092732-TA-T.
Other names: c.936+2del (NM_001385808.1, NM_001385812.1, NM_001385811.1 and 14 more transcripts); c.795+2del (NM_001385834.1, NM_001385832.1, NM_001385837.1 and 16 more transcripts); c.933+2del (NM_001385806.1, NM_001385822.1, NM_001385823.1); c.792+2del (NM_001385846.1, NM_001385845.1, NM_001385843.1 and 1 more transcripts); c.843+2del (NM_001385824.1); c.816+2del (NM_001385827.1); c.648+2del (NM_001385847.1).
Identifiers: ClinVar variation 1518521 (VCV001518521.8), dbSNP rs2146289066, ClinGen allele CA2573154919.
Genomic context (GRCh38, chr17:79,096,650, plus strand): 5'-ACTTCTCATTGAGACCCACAGAACGCCTGATCCCACCCTCCCTCCCGGCGGGGCTACACT[TA>T]CATAAATCTCAGCACCATAAAATCCATCCTGATACACGACCCTGGAAGCAAACGGACAAG-3'